The following is an entry in ClinVar:

NM_001374828.1(ARID1B):c.6748T>G (p.Cys2250Gly)

Gene: ARID1B (AT-rich interaction domain 1B; plus strand). Cytogenetic location: 6q25.3.
Variant type: single nucleotide variant.
Coding change: c.6748T>G on transcript NM_001374828.1 (MANE Select); coding-DNA position 6748, T replaced by G.
Protein change: p.Cys2250Gly; replaces cysteine 2250 with glycine.
Molecular consequence: missense variant.
Genome position (GRCh38, 1-based): chr6:157,207,520, T>G. VCF-style: chr6-157207520-T-G. GRCh37 (hg19) VCF-style: chr6-157528654-T-G.
Other names: c.4249T>G, p.Cys1417Gly (NM_001363725.2); c.6628T>G, p.Cys2210Gly (NM_001371656.1, NM_001374820.1); c.6589T>G, p.Cys2197Gly (NM_017519.3); c.6379T>G (NM_020732.3); short protein forms C1417G, C2197G, C2210G, C2250G.
Identifiers: ClinVar variation 3371991 (VCV003371991.1).

ClinVar aggregate classification (germline): Uncertain significance (1 of 4 stars; one submission).

Submission:

GeneDx
Classification: Uncertain significance. Last evaluated: 2024-04-04. Review status: criteria provided, single submitter. Criteria: GeneDx Variant Classification Process June 2021. Collection method: clinical testing. Allele origin: germline. Affected: yes.
Comment: Not observed at significant frequency in large population cohorts (gnomAD); In silico analysis supports that this missense variant has a deleterious effect on protein structure/function; Has not been previously published as pathogenic or benign to our knowledge